The following is an entry in ClinVar:

NM_144643.4(SCLT1):c.752A>G (p.Asp251Gly)

Gene: SCLT1 (sodium channel and clathrin linker 1; minus strand). Cytogenetic location: 4q28.2.
Variant type: single nucleotide variant.
Coding change: c.752A>G on transcript NM_144643.4 (MANE Select); coding-DNA position 752, A replaced by G.
Protein change: p.Asp251Gly; replaces aspartic acid 251 with glycine.
Molecular consequence: missense variant.
Genome position (GRCh38, 1-based): chr4:128,970,403, T>C on the plus strand (A>G on the coding strand, the complement: SCLT1 is on the minus strand). VCF-style: chr4-128970403-T-C. GRCh37 (hg19) VCF-style: chr4-129891558-T-C.
Other names: c.752A>G (NM_144643.3, NM_144643.2); c.752A>G, p.Asp251Gly (NM_001410807.1); short protein forms D251G.
Identifiers: ClinVar variation 2073167 (VCV002073167.5), dbSNP rs780625958, ClinGen allele CA358189263.

ClinVar aggregate classification (germline): Uncertain significance. Review status: criteria provided, multiple submitters, no conflicts (2 of 4 stars). 3 submissions from 3 submitters: Uncertain significance (3). Last evaluated 2024-12-06.

Conditions:
SCLT1-related disorder. Also called: SCLT1-related condition.

Allele frequency attached by ClinVar (database versions not stated): TOPMed 0.00002; gnomAD 0.00003.
gnomAD v4.1: 15 of 1,601,684 alleles (0.00094%); highest among the groups gnomAD compares: Non-Finnish European, 0.0013%; no homozygotes.

Submissions (3):

PreventionGenetics, part of Exact Sciences
Classification: Uncertain significance for SCLT1-related condition. Last evaluated: 2024-12-06. Review status: criteria provided, single submitter. Criteria: ACMG Guidelines, 2015. Collection method: clinical testing. Allele origin: germline.
Comment: The SCLT1 c.752A>G variant is predicted to result in the amino acid substitution p.Asp251Gly. To our knowledge, this variant has not been reported in the literature. This variant is reported in 0.0065% of alleles in individuals of European (Non-Finnish) descent in gnomAD. At this time, the clinical significance of this variant is uncertain due to the absence of conclusive functional and genetic evidence.

Ambry Genetics
Classification: Uncertain significance. Last evaluated: 2023-12-27. Review status: criteria provided, single submitter. Criteria: Ambry Variant Classification Scheme 2023. Collection method: clinical testing. Allele origin: germline.

Labcorp Genetics (formerly Invitae), Labcorp
Classification: Uncertain significance. Last evaluated: 2022-04-13. Review status: criteria provided, single submitter. Criteria: Invitae Variant Classification Sherloc (09022015). Collection method: clinical testing. Allele origin: germline.
Comment: In summary, the available evidence is currently insufficient to determine the role of this variant in disease. Therefore, it has been classified as a Variant of Uncertain Significance. Algorithms developed to predict the effect of missense changes on protein structure and function output the following: SIFT: "Tolerated"; PolyPhen-2: "Benign"; Align-GVGD: "Class C0". The glycine amino acid residue is found in multiple mammalian species, which suggests that this missense change does not adversely affect protein function. This variant has not been reported in the literature in individuals affected with SCLT1-related conditions. This variant is present in population databases (no rsID available, gnomAD 0.007%). This sequence change replaces aspartic acid, which is acidic and polar, with glycine, which is neutral and non-polar, at codon 251 of the SCLT1 protein (p.Asp251Gly).